The following is an entry in ClinVar:

NM_015937.6(PIGT):c.1520_1521insCTCTACA (p.Leu508fs)

Gene: PIGT (phosphatidylinositol glycan anchor biosynthesis class T; plus strand). Cytogenetic location: 20q13.12.
Variant type: Insertion.
Coding change: c.1520_1521insCTCTACA on transcript NM_015937.6 (MANE Select); coding-DNA positions 1520 to 1521, CTCTACA inserted.
Protein change: p.Leu508fs; shifts the reading frame from leucine 508.
Molecular consequence: frameshift variant. On other transcripts: non-coding transcript variant (5).
Genome position: GRCh38 VCF-style: chr20-45425609-G-GCTCTACA. GRCh37 (hg19) VCF-style: chr20-44054249-G-GCTCTACA.
Other names: c.1352_1353insCTCTACA, p.Leu452fs (NM_001184728.3); c.1319_1320insCTCTACA, p.Leu441fs (NM_001184729.3); c.1214_1215insCTCTACA, p.Leu406fs (NM_001184730.3); short protein forms L406fs, L441fs, L452fs, L508fs.
Identifiers: ClinVar variation 3390855 (VCV003390855.1).

ClinVar aggregate classification (germline): Likely pathogenic (1 of 4 stars; one submission).

Conditions:
Multiple congenital anomalies-hypotonia-seizures syndrome 3 (MCAHS3). Also called: GLYCOSYLPHOSPHATIDYLINOSITOL BIOSYNTHESIS DEFECT 7. Identifiers: Orphanet 369837, MedGen C3809356, MONDO:0014165, OMIM 615398.

Submission:

Institute of Medical Genetics and Genomics, Sir Ganga Ram Hospital
Classification: Likely pathogenic for Multiple congenital anomalies-hypotonia-seizures syndrome 3. Last evaluated: 2024-12-13. Review status: criteria provided, single submitter. Criteria: ACMG Guidelines, 2015. Collection method: clinical testing. Allele origin: germline. Inheritance: Autosomal recessive inheritance. Affected: yes. Observed: 1 heterozygote.
Comment: The identified frameshift insertion variant in PIGT gene in two fetuses were highly specific to the phenotype. The frameshift insertion [c.1520_1521insCTCTACA] is critical for protein function and removes more than 10% of the transcript. It is identified in trans with other previously reported likely pathogenic missense variant[c.709G>C, PMID: 28327575]. Based on this, it is classified as likely pathogenic